The following is an entry in ClinVar:

ClinVar aggregate classification (germline): Uncertain significance. Review status: criteria provided, multiple submitters, no conflicts (2 of 4 stars). 3 submissions from 3 submitters: Uncertain significance (3). Last evaluated 2026-06-16.

Conditions:
Mitochondrial DNA depletion syndrome, encephalomyopathic form with methylmalonic aciduria (MTDPS5). Also called: MITOCHONDRIAL DNA DEPLETION SYNDROME, ENCEPHALOMYOPATHIC FORM, WITH OR WITHOUT METHYLMALONIC ACIDURIA, AUTOSOMAL RECESSIVE, SUCLA2-RELATED; Mitochondrial DNA depletion syndrome 5 (encephalomyopathic with or without methylmalonic aciduria); SUCLA2-Related Mitochondrial DNA Depletion Syndrome, Encephalomyopathic Form with Methylmalonic Aciduria; Mitochondrial encephalomyopathy aminoacidopathy. Identifiers: Orphanet 1933, MedGen C5980207, MONDO:0012791, OMIM 612073.
SUCLA2-related disorder. Also called: SUCLA2-related condition.
Inborn genetic diseases. Identifiers: MedGen C0950123, MeSH D030342.

Allele frequency attached by ClinVar (database versions not stated): gnomAD 0.00003; TOPMed 0.00005.

Submissions (3):

PreventionGenetics, part of Exact Sciences
Classification: Uncertain significance for SUCLA2-related condition. Last evaluated: 2026-06-16. Review status: criteria provided, single submitter. Criteria: ACMG Guidelines, 2015. Collection method: clinical testing. Allele origin: germline.
Comment: The SUCLA2 c.556T>C variant is predicted to result in the amino acid substitution p.Ser186Pro. To our knowledge, this variant has not been reported in the literature. This variant is reported in 0.0029% of alleles in individuals of Latino descent in gnomAD. At this time, the clinical significance of this variant is uncertain due to the absence of conclusive functional and genetic evidence.

Ambry Genetics
Classification: Uncertain significance for Inborn genetic diseases. Last evaluated: 2023-11-22. Review status: criteria provided, single submitter. Criteria: Ambry Variant Classification Scheme 2023. Collection method: clinical testing. Allele origin: germline.

Labcorp Genetics (formerly Invitae), Labcorp
Classification: Uncertain significance for Mitochondrial DNA depletion syndrome, encephalomyopathic form with methylmalonic aciduria. Last evaluated: 2022-05-12. Review status: criteria provided, single submitter. Criteria: Invitae Variant Classification Sherloc (09022015). Collection method: clinical testing. Allele origin: germline.
Comment: This sequence change replaces serine, which is neutral and polar, with proline, which is neutral and non-polar, at codon 186 of the SUCLA2 protein (p.Ser186Pro). This variant is present in population databases (no rsID available, gnomAD 0.003%). This variant has not been reported in the literature in individuals affected with SUCLA2-related conditions. Algorithms developed to predict the effect of missense changes on protein structure and function are either unavailable or do not agree on the potential impact of this missense change (SIFT: "Deleterious"; PolyPhen-2: "Possibly Damaging"; Align-GVGD: "Class C0"). In summary, the available evidence is currently insufficient to determine the role of this variant in disease. Therefore, it has been classified as a Variant of Uncertain Significance.

NM_003850.3(SUCLA2):c.556T>C (p.Ser186Pro)

Gene: SUCLA2 (succinate-CoA ligase ADP-forming subunit beta; minus strand). Cytogenetic location: 13q14.2.
Variant type: single nucleotide variant.
Coding change: c.556T>C on transcript NM_003850.3 (MANE Select); coding-DNA position 556, T replaced by C.
Protein change: p.Ser186Pro; replaces serine 186 with proline.
Molecular consequence: missense variant.
Genome position (GRCh38, 1-based): chr13:47,973,371, A>G on the plus strand (T>C on the coding strand, the complement: SUCLA2 is on the minus strand). VCF-style: chr13-47973371-A-G. GRCh37 (hg19) VCF-style: chr13-48547506-A-G.
Other names: c.556T>C (NM_003850.2); short protein forms S186P.
Identifiers: ClinVar variation 2413901 (VCV002413901.5), dbSNP rs1047870857, ClinGen allele CA249270107.